The following is an entry in ClinVar:

NM_006383.4(CIB2):c.133G>A (p.Asp45Asn)

Gene: CIB2 (calcium and integrin binding family member 2; minus strand). Cytogenetic location: 15q25.1.
Variant type: single nucleotide variant.
Coding change: c.133G>A on transcript NM_006383.4 (MANE Select); coding-DNA position 133, G replaced by A.
Protein change: p.Asp45Asn; replaces aspartic acid 45 with asparagine.
Molecular consequence: missense variant. On other transcripts: intron variant (2).
Genome position (GRCh38, 1-based): chr15:78,111,230, C>T on the plus strand (G>A on the coding strand, the complement: CIB2 is on the minus strand). VCF-style: chr15-78111230-C-T. GRCh37 (hg19) VCF-style: chr15-78403572-C-T.
Other names: c.4G>A, p.Asp2Asn (NM_001271888.2); c.52-1848G>A (NM_001271889.2); c.87-1721G>A (NM_001301224.2); short protein forms D45N, D2N.
Identifiers: ClinVar variation 1935948 (VCV001935948.5), dbSNP rs550750703, ClinGen allele CA273808345.
Genomic context (GRCh38, chr15:78,111,230, plus strand): 5'-GCTCTGGCATCTGGATGATGAGGCTCATGGGCACGTGGACGATGGGGCTCTTCCTGTAGT[C>T]CATTGGGACGAGGTTGGGGGCCAGCTCATAGAATCGCGAATGCAGCCTTGGAGGAAAGCA-3'
Protein context (NP_006374.1, residues 35-55): YELAPNLVPM[Asp45Asn]YRKSPIVHVP

ClinVar aggregate classification (germline): Uncertain significance (1 of 4 stars; one submission).

Allele frequency attached by ClinVar (database versions not stated): gnomAD 0.00001; TOPMed 0.00001.
gnomAD v4.1: 2 of 1,614,034 alleles (0.00012%); highest among the groups gnomAD compares: African/African-American, 0.0027%; no homozygotes.

Submission:

Labcorp Genetics (formerly Invitae), Labcorp
Classification: Uncertain significance. Last evaluated: 2022-08-16. Review status: criteria provided, single submitter. Criteria: Invitae Variant Classification Sherloc (09022015). Collection method: clinical testing. Allele origin: germline.
Comment: In summary, the available evidence is currently insufficient to determine the role of this variant in disease. Therefore, it has been classified as a Variant of Uncertain Significance. Algorithms developed to predict the effect of missense changes on protein structure and function are either unavailable or do not agree on the potential impact of this missense change (SIFT: "Not Available"; PolyPhen-2: "Probably Damaging"; Align-GVGD: "Not Available"). This variant has not been reported in the literature in individuals affected with CIB2-related conditions. This variant is not present in population databases (gnomAD no frequency). This sequence change replaces aspartic acid, which is acidic and polar, with asparagine, which is neutral and polar, at codon 45 of the CIB2 protein (p.Asp45Asn).